The following is an entry in ClinVar:

NM_001377299.1(NDUFS2):c.514+11C>T

Gene: NDUFS2 (NADH:ubiquinone oxidoreductase core subunit S2; plus strand). Cytogenetic location: 1q23.3.
Variant type: single nucleotide variant.
Coding change: c.514+11C>T on transcript NM_001377299.1 (MANE Select); 11 bases into the intron after coding-DNA position 514, C replaced by T.
Molecular consequence: intron variant.
Genome position (GRCh38, 1-based): chr1:161,209,324, C>T. VCF-style: chr1-161209324-C-T. GRCh37 (hg19) VCF-style: chr1-161179114-C-T.
Other names: c.514+11C>T (NM_001377300.1, NM_001377298.1, NM_001377301.1 and 3 more transcripts).
Identifiers: ClinVar variation 138483 (VCV000138483.36), dbSNP rs76309459, ClinGen allele CA292494.

ClinVar aggregate classification (germline): Conflicting classifications of pathogenicity. Review status: criteria provided, conflicting classifications (1 of 4 stars). 4 submissions from 4 submitters: Uncertain significance (1); Benign (2); Likely benign (1). Last evaluated 2026-05-01.

Conditions:
Mitochondrial complex I deficiency, nuclear type 1. Also called: NADH-COENZYME Q REDUCTASE DEFICIENCY; MITOCHONDRIAL NADH DEHYDROGENASE COMPONENT OF COMPLEX I, DEFICIENCY OF. Identifiers: MedGen C6022305, MONDO:0100224, OMIM 252010.

Allele frequency attached by ClinVar (database versions not stated): 1000 Genomes Project 0.00200; 1000 Genomes Project 30x 0.00203; TOPMed 0.00376; ESP Exome Variant Server 0.00507; gnomAD 0.00593.
gnomAD v4.1: 11,660 of 1,614,140 alleles (0.72%); highest among the groups gnomAD compares: Non-Finnish European, 0.76%; 67 homozygotes.

Submissions (4):

CeGaT Center for Human Genetics Tuebingen
Classification: Likely benign. Last evaluated: 2026-05-01. Review status: criteria provided, single submitter. Criteria: CeGaT Center For Human Genetics Tuebingen Variant Classification Criteria Version 2. Collection method: clinical testing. Allele origin: germline. Affected: yes. Observed: 11 variant alleles.
Comment: NDUFS2: BS2

Labcorp Genetics (formerly Invitae), Labcorp
Classification: Benign. Last evaluated: 2026-01-26. Review status: criteria provided, single submitter. Criteria: Invitae Variant Classification Sherloc (09022015). Collection method: clinical testing. Allele origin: germline.

Illumina Laboratory Services, Illumina
Classification: Uncertain significance for Mitochondrial complex I deficiency, nuclear type 1. Last evaluated: 2018-01-13. Review status: criteria provided, single submitter. Criteria: ICSL Variant Classification Criteria 13 December 2019. Collection method: clinical testing. Allele origin: germline.

GeneDx
Classification: Benign. Last evaluated: 2013-12-27. Review status: criteria provided, single submitter. Criteria: GeneDx Variant Classification (06012015). Collection method: clinical testing. Allele origin: germline. Affected: yes.
Comment: This variant is considered likely benign or benign based on one or more of the following criteria: it is a conservative change, it occurs at a poorly conserved position in the protein, it is predicted to be benign by multiple in silico algorithms, and/or has population frequency not consistent with disease.